The following is an entry in ClinVar:

NM_006073.4(TRDN):c.425-4_425-3insLINE1

Gene: TRDN (triadin; minus strand).
Variant type: Insertion.
Coding change: c.425-4_425-3insLINE1 on transcript NM_006073.4; 4 bases into the intron before coding-DNA position 425 through 3 bases into the intron before coding-DNA position 425, an insertion.
Identifiers: ClinVar variation 870272 (VCV000870272.2).

ClinVar aggregate classification (germline): Uncertain significance (1 of 4 stars; one submission).

Conditions:
Catecholaminergic polymorphic ventricular tachycardia (CVPT). Also called: Catecholamine-induced polymorphic ventricular tachycardia. Identifiers: Orphanet 3286, MedGen C5574922, MONDO:0017990.

Submission:

Labcorp Genetics (formerly Invitae), Labcorp
Classification: Uncertain significance for Catecholaminergic polymorphic ventricular tachycardia. Last evaluated: 2019-10-24. Review status: criteria provided, single submitter. Criteria: Invitae Variant Classification Sherloc (09022015). Collection method: clinical testing. Allele origin: germline.
Comment: This sequence change inserts a L1 transposable element in intron 4 of the TRDN mRNA (c.425-4_425-3insLINE1). The exact size and sequence of the insertion cannot be determined by the current assay. However, the insertion is expected to result in an absent or disrupted protein product. This variant is not present in population databases (ExAC no frequency). This variant has not been reported in the literature in individuals with TRDN-related disease. Algorithms developed to predict the effect of sequence changes on RNA splicing suggest that this variant may disrupt the consensus splice site, but this prediction has not been confirmed by published transcriptional studies. Retrotransposon insertions including LINE1 (L1), Alu, and SVA (SINE-VNTR-Alu) have been reported to be disease-causing through disruption of either a coding region or splice site (PMID: 19763152, 20307669, 22406018) and loss-of-function variants in TRDN are known to be pathogenic (PMID: 22422768, 25922419). In summary, the available evidence is currently insufficient to determine the role of this variant in disease. Therefore, it has been classified as a Variant of Uncertain Significance.

Literature cited by the submitters: PubMed 20307669; PubMed 22406018; PubMed 22422768; PubMed 25922419; PubMed 19763152.